The following is an entry in ClinVar:

ClinVar aggregate classification (germline): Uncertain significance (1 of 4 stars; one submission).

Conditions:
Sulfite oxidase deficiency due to molybdenum cofactor deficiency type C. Also called: Molybdenum cofactor deficiency C; Molybdenum cofactor deficiency, complementation group C. Identifiers: Orphanet 308400, Orphanet 833, MedGen C1854990, MONDO:0014212, OMIM 615501.

Submission:

Labcorp Genetics (formerly Invitae), Labcorp
Classification: Uncertain significance for Sulfite oxidase deficiency due to molybdenum cofactor deficiency type C. Last evaluated: 2024-03-27. Review status: criteria provided, single submitter. Criteria: Invitae Variant Classification Sherloc (09022015). Collection method: clinical testing. Allele origin: germline.
Comment: This sequence change replaces glycine, which is neutral and non-polar, with valine, which is neutral and non-polar, at codon 285 of the GPHN protein (p.Gly285Val). This variant is not present in population databases (gnomAD no frequency). This variant has not been reported in the literature in individuals affected with GPHN-related conditions. Advanced modeling of protein sequence and biophysical properties (such as structural, functional, and spatial information, amino acid conservation, physicochemical variation, residue mobility, and thermodynamic stability) performed at Invitae indicates that this missense variant is not expected to disrupt GPHN protein function with a negative predictive value of 80%. Algorithms developed to predict the effect of sequence changes on RNA splicing suggest that this variant may disrupt the consensus splice site. In summary, the available evidence is currently insufficient to determine the role of this variant in disease. Therefore, it has been classified as a Variant of Uncertain Significance.

NM_020806.5(GPHN):c.854G>T (p.Gly285Val)

Gene: GPHN (gephyrin; plus strand). Cytogenetic location: 14q23.3.
Variant type: single nucleotide variant.
Coding change: c.854G>T on transcript NM_020806.5 (MANE Select); coding-DNA position 854, G replaced by T.
Protein change: p.Gly285Val; replaces glycine 285 with valine.
Molecular consequence: missense variant.
Genome position (GRCh38, 1-based): chr14:66,965,216, G>T. VCF-style: chr14-66965216-G-T. GRCh37 (hg19) VCF-style: chr14-67431933-G-T.
Other names: c.755G>T, p.Gly252Val (NM_001024218.2, NM_001377515.1, NM_001377516.1 and 2 more transcripts); c.794G>T, p.Gly265Val (NM_001377514.1, NM_001377519.1); short protein forms G252V, G265V, G285V.
Identifiers: ClinVar variation 3647785 (VCV003647785.2).